The following is an entry in ClinVar:

NM_170707.4(LMNA):c.1094T>C (p.Ile365Thr)

Gene: LMNA (lamin A/C; plus strand). Cytogenetic location: 1q22.
Variant type: single nucleotide variant.
Coding change: c.1094T>C on transcript NM_170707.4 (MANE Select); coding-DNA position 1094, T replaced by C.
Protein change: p.Ile365Thr; replaces isoleucine 365 with threonine.
Molecular consequence: missense variant.
Genome position (GRCh38, 1-based): chr1:156,136,058, T>C. VCF-style: chr1-156136058-T-C. GRCh37 (hg19) VCF-style: chr1-156105849-T-C.
Other names: c.758T>C, p.Ile253Thr (NM_001257374.3, NM_001406998.1, NM_001406989.1); c.851T>C, p.Ile284Thr (NM_001282624.2, NM_001406986.1, NM_001406987.1); c.1094T>C, p.Ile365Thr (NM_001282625.2, NM_001282626.2, NM_001406983.1 and 6 more transcripts); c.536T>C, p.Ile179Thr (NM_001406993.1, NM_001406995.1, NM_001406996.1 and 4 more transcripts); c.470T>C, p.Ile157Thr (NM_001406994.1, NM_001406999.1, NM_001407000.1 and 1 more transcripts); c.797T>C, p.Ile266Thr (NM_001406988.1); short protein forms I266T, I284T, I179T, I157T, I253T, I365T.
Identifiers: ClinVar variation 3679272 (VCV003679272.2).
Genomic context (GRCh38, chr1:156,136,058, plus strand): 5'-TGGCCGAGATGCGGGCAAGGATGCAGCAGCAGCTGGACGAGTACCAGGAGCTTCTGGACA[T>C]CAAGCTGGCCCTGGACATGGAGATCCACGCCTACCGCAAGCTCTTGGAGGGCGAGGAGGA-3'
Protein context (NP_733821.1, residues 355-375): QLDEYQELLD[Ile365Thr]KLALDMEIHA

ClinVar aggregate classification (germline): Uncertain significance (1 of 4 stars; one submission).

Conditions:
Charcot-Marie-Tooth disease type 2. Also called: Charcot-Marie-Tooth type 2. Identifiers: Orphanet 64746, MedGen C0270914, MONDO:0018993.

Submission:

Labcorp Genetics (formerly Invitae), Labcorp
Classification: Uncertain significance for Charcot-Marie-Tooth disease type 2. Last evaluated: 2024-02-19. Review status: criteria provided, single submitter. Criteria: Invitae Variant Classification Sherloc (09022015). Collection method: clinical testing. Allele origin: germline.
Comment: This sequence change replaces isoleucine, which is neutral and non-polar, with threonine, which is neutral and polar, at codon 365 of the LMNA protein (p.Ile365Thr). This variant is not present in population databases (gnomAD no frequency). This variant has not been reported in the literature in individuals affected with LMNA-related conditions. Advanced modeling of protein sequence and biophysical properties (such as structural, functional, and spatial information, amino acid conservation, physicochemical variation, residue mobility, and thermodynamic stability) performed at Invitae indicates that this missense variant is expected to disrupt LMNA protein function with a positive predictive value of 95%. In summary, the available evidence is currently insufficient to determine the role of this variant in disease. Therefore, it has been classified as a Variant of Uncertain Significance.